The following is an entry in ClinVar:

ClinVar aggregate classification (germline): Uncertain significance (1 of 4 stars; one submission).

Allele frequency attached by ClinVar (database versions not stated): gnomAD exomes below 0.00001.
gnomAD v4.1: 1 of 1,613,884 alleles (0.000062%); highest among the groups gnomAD compares: Non-Finnish European, 0.000085%; no homozygotes.

Submission:

GeneDx
Classification: Uncertain significance. Last evaluated: 2019-04-19. Review status: criteria provided, single submitter. Criteria: GeneDx Variant Classification Process June 2021. Collection method: clinical testing. Allele origin: germline. Affected: yes.
Comment: Not observed in large population cohorts (Lek et al., 2016); In silico analysis, which includes protein predictors and evolutionary conservation, supports a deleterious effect; Has not been previously published as pathogenic or benign to our knowledge

NM_001003694.2(BRPF1):c.767C>T (p.Ser256Leu)

Gene: BRPF1 (bromodomain and PHD finger containing 1; plus strand). Cytogenetic location: 3p25.3.
Variant type: single nucleotide variant.
Coding change: c.767C>T on transcript NM_001003694.2 (MANE Select); coding-DNA position 767, C replaced by T.
Protein change: p.Ser256Leu; replaces serine 256 with leucine.
Molecular consequence: missense variant. On other transcripts: non-coding transcript variant (1).
Genome position (GRCh38, 1-based): chr3:9,739,166, C>T. VCF-style: chr3-9739166-C-T. GRCh37 (hg19) VCF-style: chr3-9780850-C-T.
Other names: c.767C>T, p.Ser256Leu (NM_001319049.2, NM_001319050.2, NM_004634.3); short protein forms S256L.
Identifiers: ClinVar variation 1305217 (VCV001305217.2), dbSNP rs2125500211, ClinGen allele CA351684731.